The following is an entry in ClinVar:

NM_177438.3(DICER1):c.4659T>C (p.Cys1553=)

Gene: DICER1 (dicer 1, ribonuclease III; minus strand). Cytogenetic location: 14q32.13.
Variant type: single nucleotide variant.
Coding change: c.4659T>C on transcript NM_177438.3 (MANE Select); coding-DNA position 4659, T replaced by C.
Protein change: p.Cys1553=; no amino-acid change (cysteine 1553 retained).
Molecular consequence: synonymous variant. On other transcripts: non-coding transcript variant (6).
Genome position (GRCh38, 1-based): chr14:95,096,261, A>G on the plus strand (T>C on the coding strand, the complement: DICER1 is on the minus strand). VCF-style: chr14-95096261-A-G. GRCh37 (hg19) VCF-style: chr14-95562598-A-G.
Other names: c.4659T>C, p.Cys1553= (NM_001195573.1, NM_001271282.3, NM_001291628.2 and 12 more transcripts); c.4377T>C, p.Cys1459= (NM_001395686.1); c.4254T>C, p.Cys1418= (NM_001395687.1, NM_001395688.1, NM_001395689.1 and 2 more transcripts); c.4092T>C, p.Cys1364= (NM_001395691.1); c.2976T>C, p.Cys992= (NM_001395697.1).
Identifiers: ClinVar variation 4083916 (VCV004083916.8).
Genomic context (GRCh38, chr14:95,096,261, plus strand): 5'-GCTGGTTAAATAGCAGCCCAGCAGGGCTTCCACACAGTCCGCTATGCTTTTGTCAGCAAT[A>G]CACTGCTCAGTGTGCAAGTCGTAAGAAATGGACTGCTTTCCCGTGTCAACACCACAGTTT-3'
Protein context (NP_803187.1, residues 1543-1563): SISYDLHTEQ[Cys1553=]IADKSIADCV

ClinVar aggregate classification (germline): Likely benign (1 of 4 stars; one submission).

Submission:

CeGaT Center for Human Genetics Tuebingen
Classification: Likely benign. Last evaluated: 2025-08-01. Review status: criteria provided, single submitter. Criteria: CeGaT Center For Human Genetics Tuebingen Variant Classification Criteria Version 2. Collection method: clinical testing. Allele origin: germline. Affected: yes. Observed: 1 variant allele.
Comment: DICER1: PM2:Supporting, BP4, BP7